The following is an entry in ClinVar:

NM_020778.5(ALPK3):c.2701G>A (p.Glu901Lys)

Gene: ALPK3 (alpha kinase 3; plus strand). Cytogenetic location: 15q25.3.
Variant type: single nucleotide variant.
Coding change: c.2701G>A on transcript NM_020778.5 (MANE Select); coding-DNA position 2701, G replaced by A.
Protein change: p.Glu901Lys; replaces glutamic acid 901 with lysine.
Molecular consequence: missense variant.
Genome position (GRCh38, 1-based): chr15:84,857,439, G>A. VCF-style: chr15-84857439-G-A. GRCh37 (hg19) VCF-style: chr15-85400670-G-A.
Other names: short protein forms E901K.
Identifiers: ClinVar variation 1442605 (VCV001442605.37), dbSNP rs199572606, ClinGen allele CA7709479.

ClinVar aggregate classification (germline): Conflicting classifications of pathogenicity. Review status: criteria provided, conflicting classifications (1 of 4 stars). 3 submissions from 3 submitters: Uncertain significance (1); Likely benign (2). Last evaluated 2026-02-04.

Conditions:
Cardiovascular phenotype. Identifiers: MedGen CN230736.

Allele frequency attached by ClinVar (database versions not stated): gnomAD exomes 0.00005 and 0.00010; ExAC 0.00007; gnomAD 0.00011; 1000 Genomes Project 30x 0.00016; TOPMed 0.00016; 1000 Genomes Project 0.00020.

Submissions (3):

Labcorp Genetics (formerly Invitae), Labcorp
Classification: Uncertain significance. Last evaluated: 2026-02-04. Review status: criteria provided, single submitter. Criteria: Invitae Variant Classification Sherloc (09022015). Collection method: clinical testing. Allele origin: germline.
Comment: This sequence change replaces glutamic acid, which is acidic and polar, with lysine, which is basic and polar, at codon 1103 of the ALPK3 protein (p.Glu1103Lys). This variant is present in population databases (rs199572606, gnomAD 0.07%). This missense change has been observed in individual(s) with hypertrophic cardiomyopathy (PMID: 30847666). ClinVar contains an entry for this variant (Variation ID: 1442605). Invitae Evidence Modeling of protein sequence and biophysical properties (such as structural, functional, and spatial information, amino acid conservation, physicochemical variation, residue mobility, and thermodynamic stability) indicates that this missense variant is not expected to disrupt ALPK3 protein function with a negative predictive value of 80%. In summary, the available evidence is currently insufficient to determine the role of this variant in disease. Therefore, it has been classified as a Variant of Uncertain Significance.

Ambry Genetics
Classification: Likely benign for Cardiovascular phenotype. Last evaluated: 2024-11-04. Review status: criteria provided, single submitter. Criteria: Ambry Variant Classification Scheme 2023. Collection method: clinical testing. Allele origin: germline.

CeGaT Center for Human Genetics Tuebingen
Classification: Likely benign. Last evaluated: 2022-11-01. Review status: criteria provided, single submitter. Criteria: CeGaT Center For Human Genetics Tuebingen Variant Classification Criteria Version 2. Collection method: clinical testing. Allele origin: germline. Affected: yes. Observed: 1 variant allele.
Comment: ALPK3: BP4

Literature cited by the submitters: PubMed 30847666 (cited by Labcorp Genetics (formerly Invitae), Labcorp and Ambry Genetics).